The following is an entry in ClinVar:

ClinVar aggregate classification (germline): Uncertain significance (1 of 4 stars; one submission).

Conditions:
Retinoblastoma (RB1). Also called: RETINOBLASTOMA, SOMATIC. Identifiers: Orphanet 790, MedGen C0035335, MeSH D012175, MONDO:0008380, OMIM 180200, HP:0009919. Disease mechanism: loss of function. Inheritance: Both sporadic and heritable forms are tested..

Submission:

St. Jude Molecular Pathology, St. Jude Children's Research Hospital
Classification: Uncertain significance for Retinoblastoma. Last evaluated: 2023-10-18. Review status: criteria provided, single submitter. Criteria: St. Jude Assertion Criteria 2020. Collection method: clinical testing. Allele origin: germline.
Comment: The RB1 c.847T>C (p.Cys283Arg) missense change is absent in gnomAD v2.1.1. The in silico tool REVEL predicts a deleterious effect on protein function, but to our knowledge this prediction has not been confirmed by functional studies. To our knowledge, this variant has not been reported in individuals with retinoblastoma. In summary, the evidence currently available is insufficient to determine the clinical significance of this variant. It has therefore been classified as of uncertain significance.

NM_000321.3(RB1):c.847T>C (p.Cys283Arg)

Gene: RB1 (RB transcriptional corepressor 1; plus strand). Cytogenetic location: 13q14.2.
Variant type: single nucleotide variant.
Coding change: c.847T>C on transcript NM_000321.3 (MANE Select); coding-DNA position 847, T replaced by C.
Protein change: p.Cys283Arg; replaces cysteine 283 with arginine.
Molecular consequence: missense variant.
Genome position (GRCh38, 1-based): chr13:48,362,943, T>C. VCF-style: chr13-48362943-T-C. GRCh37 (hg19) VCF-style: chr13-48937079-T-C.
Other names: c.847T>C, p.Cys283Arg (NM_001407165.1, NM_001407166.1); short protein forms C283R.
Identifiers: ClinVar variation 2663989 (VCV002663989.1), dbSNP rs2138112804, ClinGen allele CA388159668.